The following is an entry in ClinVar:

ClinVar aggregate classification (germline): Conflicting classifications of pathogenicity. Review status: criteria provided, conflicting classifications (1 of 4 stars). 4 submissions from 4 submitters: Uncertain significance (1); Benign (1); Likely benign (1). 1 of the submissions does not count toward it. Last evaluated 2025-04-09.

Conditions:
FHOD3-related disorder. Also called: FHOD3-related condition.
Cardiovascular phenotype. Identifiers: MedGen CN230736.

Allele frequency attached by ClinVar (database versions not stated): 1000 Genomes Project 0.00020; 1000 Genomes Project 30x 0.00031; ESP Exome Variant Server 0.00062; gnomAD 0.00066; TOPMed 0.00066; ExAC 0.00073.
gnomAD v4.1: 1,215 of 1,613,852 alleles (0.075%); highest among the groups gnomAD compares: Non-Finnish European, 0.094%; no homozygotes.

Submissions (4):

Molecular Diagnostic Laboratory for Inherited Cardiovascular Disease, Montreal Heart Institute
Classification: Uncertain significance for Cardiovascular phenotype. Last evaluated: 2025-04-09. Review status: criteria provided, single submitter. Criteria: ACMG Guidelines, 2015. Collection method: clinical testing. Allele origin: germline. Affected: yes.

Blueprint Genetics
Classification: Likely benign. Last evaluated: 2024-11-21. Review status: criteria provided, single submitter. Criteria: ACMG Guidelines, 2015. Collection method: clinical testing. Allele origin: germline.

CeGaT Center for Human Genetics Tuebingen
Classification: Benign. Last evaluated: 2022-08-01. Review status: criteria provided, single submitter. Criteria: CeGaT Center For Human Genetics Tuebingen Variant Classification Criteria Version 2. Collection method: clinical testing. Allele origin: germline. Affected: yes. Observed: 1 variant allele.
Comment: FHOD3: BS1, BS2

PreventionGenetics, part of Exact Sciences
Classification: Likely benign for FHOD3-related condition. Last evaluated: 2024-08-13. Review status: no assertion criteria provided. Collection method: clinical testing. Allele origin: germline. Not counted in ClinVar's aggregate classification.
Comment: This variant is classified as likely benign based on ACMG/AMP sequence variant interpretation guidelines (Richards et al. 2015 PMID: 25741868, with internal and published modifications).

NM_001281740.3(FHOD3):c.673G>A (p.Ala225Thr)

Gene: FHOD3 (formin homology 2 domain containing 3; plus strand). Cytogenetic location: 18q12.2.
Variant type: single nucleotide variant.
Coding change: c.673G>A on transcript NM_001281740.3 (MANE Select); coding-DNA position 673, G replaced by A.
Protein change: p.Ala225Thr; replaces alanine 225 with threonine.
Molecular consequence: missense variant.
Genome position (GRCh38, 1-based): chr18:36,594,853, G>A. VCF-style: chr18-36594853-G-A. GRCh37 (hg19) VCF-style: chr18-34174816-G-A.
Other names: c.673G>A (NM_001281740.2); c.673G>A, p.Ala225Thr (NM_001281739.3, NM_025135.5); short protein forms A225T.
Identifiers: ClinVar variation 2648676 (VCV002648676.26), dbSNP rs144223411, ClinGen allele CA8941378.